The following is an entry in ClinVar:

ClinVar aggregate classification (germline): Uncertain significance (1 of 4 stars; one submission).

Conditions:
Inborn genetic diseases. Identifiers: MedGen C0950123, MeSH D030342.

gnomAD v4.1: 2 of 1,614,014 alleles (0.00012%); highest among the groups gnomAD compares: African/African-American, 0.0013%; no homozygotes.

Submission:

Ambry Genetics
Classification: Uncertain significance for Inborn genetic diseases. Last evaluated: 2025-09-19. Review status: criteria provided, single submitter. Criteria: Ambry Variant Classification Scheme 2023. Collection method: clinical testing. Allele origin: germline.
Comment: The p.L1092S variant (also known as c.3275T>C), located in coding exon 24 of the ANKRD26 gene, results from a T to C substitution at nucleotide position 3275. The leucine at codon 1092 is replaced by serine, an amino acid with dissimilar properties. This amino acid position is conserved. In addition, this alteration is predicted to be tolerated by in silico analysis. Based on the available evidence, the clinical significance of this variant remains unclear.

NM_014915.3(ANKRD26):c.3275T>C (p.Leu1092Ser)

Gene: ANKRD26 (ankyrin repeat domain 26; minus strand). Cytogenetic location: 10p12.1.
Variant type: single nucleotide variant.
Coding change: c.3275T>C on transcript NM_014915.3 (MANE Select); coding-DNA position 3275, T replaced by C.
Protein change: p.Leu1092Ser; replaces leucine 1092 with serine.
Molecular consequence: missense variant.
Genome position (GRCh38, 1-based): chr10:27,035,175, A>G on the plus strand (T>C on the coding strand, the complement: ANKRD26 is on the minus strand). VCF-style: chr10-27035175-A-G. GRCh37 (hg19) VCF-style: chr10-27324104-A-G.
Other names: c.3272T>C, p.Leu1091Ser (NM_001256053.2); short protein forms L1091S, L1092S.
Identifiers: ClinVar variation 4578622 (VCV004578622.1).